The following is an entry in ClinVar:

ClinVar aggregate classification (germline): Pathogenic (1 of 4 stars; one submission).

Submission:

GeneDx
Classification: Pathogenic. Last evaluated: 2018-12-28. Review status: criteria provided, single submitter. Criteria: GeneDx Variant Classification (06012015). Collection method: clinical testing. Allele origin: germline. Affected: yes.
Comment: The c.4906_4921dup16 variant in the SHANK3 gene has not been reported previously as apathogenic variant nor as a benign variant, to our knowledge. The c.4906_4921dup16 variant causes aframeshift starting with codon Proline 1641, changes this amino acid to a Leucine residue, and createsa premature Stop codon at position 58 of the new reading frame, denoted p.Pro1641LeufsX58. Thisvariant is predicted to cause loss of normal protein function through protein truncation. Thec.4906_4921dup16 variant was not observed in approximately 2200 individuals of European andAfrican American ancestry in the NHLBI Exome Sequencing Project, indicating it is not a commonbenign variant in these populations. We interpret c.4906_4921dup16 as a pathogenic variant.

NM_001372044.2(SHANK3):c.5131_5146dup (p.Pro1716fs)

Gene: SHANK3 (SH3 and multiple ankyrin repeat domains 3; plus strand). Cytogenetic location: 22q13.33.
Variant type: Duplication.
Coding change: c.5131_5146dup on transcript NM_001372044.2 (MANE Select); coding-DNA positions 5131 to 5146, 16 bases duplicated (TCCCCCTCGCCGTCGC).
Protein change: p.Pro1716fs; shifts the reading frame from proline 1716.
Molecular consequence: frameshift variant.
Genome position (GRCh38, 1-based): chr22:50,731,022-50,731,037, TCCCCCTCGCCGTCGC duplicated; duplicating any 16 consecutive bases within chr22:50,731,017-50,731,037 gives the same sequence; the c. name uses the placement nearest the transcript's 3' end. VCF-style (leftmost placement, unchanged base first): chr22-50731016-A-AGTCGCTCCCCCTCGCC. GRCh37 (hg19) VCF-style: chr22-51169444-A-AGTCGCTCCCCCTCGCC.
Other names: c.4906_4921dupTCCCCCTCGCCGTCGC (NM_033517.1); c.4906_4921dup, p.Pro1641Leufs (NM_033517.1); short protein forms P1716fs.
Identifiers: ClinVar variation 280221 (VCV000280221.2), dbSNP rs886041467, ClinGen allele CA10603697.
Genomic context (GRCh38, chr22:50,731,016, plus strand): 5'-CTCTCCATCCCGCACGAGCCCAAGGAGGTGCGCTTCGTGGTGCGCAGCGTGAGCGCGCGC[A>AGTCGCTCCCCCTCGCC]GTCGCTCCCCCTCGCCGTCGCCGCTGCCCTCGCCCGCGTCCGGCCCCGGCCCCGGCGCCC-3'